The following is an entry in ClinVar:

ClinVar aggregate classification (germline): not provided (0 of 4 stars; one submission).

Allele frequency attached by ClinVar (database versions not stated): gnomAD exomes below 0.00001; ExAC 0.00001; gnomAD 0.00004 and 0.00005; TOPMed 0.00005.
gnomAD v4.1: 17 of 778,726 alleles (0.0022%); highest among the groups gnomAD compares: African/African-American, 0.0068%; no homozygotes.

Submission:

Human Evolutionary Genetics, Institut Pasteur
No classification provided. Review status: no classification provided. Collection method: not provided. Allele origin: germline.
ClinVar note: Converted during submission from untested to not provided.

NM_001282144.2(NLRX1):c.*307C>A

Gene: NLRX1 (NLR family member X1; plus strand). Cytogenetic location: 11q23.3.
Variant type: single nucleotide variant.
Coding change: c.*307C>A on transcript NM_001282144.2 (MANE Select); 307 bases downstream of the stop codon, C replaced by A.
Molecular consequence: 3 prime UTR variant.
Genome position (GRCh38, 1-based): chr11:119,183,746, C>A. VCF-style: chr11-119183746-C-A. GRCh37 (hg19) VCF-style: chr11-119054455-C-A.
Other names: c.*307C>A (NM_001282143.2, NM_001282358.2, NM_024618.4).
Identifiers: ClinVar variation 103128 (VCV000103128.2), dbSNP rs199476054, ClinGen allele CA230159.